The following is an entry in ClinVar:

NM_004698.4(PRPF3):c.1618G>T (p.Gly540Trp)

Gene: PRPF3 (pre-mRNA processing factor 3; plus strand). Cytogenetic location: 1q21.2.
Variant type: single nucleotide variant.
Coding change: c.1618G>T on transcript NM_004698.4 (MANE Select); coding-DNA position 1618, G replaced by T.
Protein change: p.Gly540Trp; replaces glycine 540 with tryptophan.
Molecular consequence: missense variant. On other transcripts: non-coding transcript variant (4).
Genome position (GRCh38, 1-based): chr1:150,344,525, G>T. VCF-style: chr1-150344525-G-T. GRCh37 (hg19) VCF-style: chr1-150317001-G-T.
Other names: c.1213G>T, p.Gly405Trp (NM_001350529.1); short protein forms G405W, G540W.
Identifiers: ClinVar variation 1976296 (VCV001976296.5), dbSNP rs2525224639, ClinGen allele CA342283592.

ClinVar aggregate classification (germline): Uncertain significance (1 of 4 stars; one submission).

Submission:

Labcorp Genetics (formerly Invitae), Labcorp
Classification: Uncertain significance. Last evaluated: 2022-03-24. Review status: criteria provided, single submitter. Criteria: Invitae Variant Classification Sherloc (09022015). Collection method: clinical testing. Allele origin: germline.
Comment: In summary, the available evidence is currently insufficient to determine the role of this variant in disease. Therefore, it has been classified as a Variant of Uncertain Significance. Algorithms developed to predict the effect of sequence changes on RNA splicing suggest that this variant may create or strengthen a splice site. Algorithms developed to predict the effect of missense changes on protein structure and function are either unavailable or do not agree on the potential impact of this missense change (SIFT: "Deleterious"; PolyPhen-2: "Probably Damaging"; Align-GVGD: "Class C0"). This variant has not been reported in the literature in individuals affected with PRPF3-related conditions. This variant is not present in population databases (gnomAD no frequency). This sequence change replaces glycine, which is neutral and non-polar, with tryptophan, which is neutral and slightly polar, at codon 540 of the PRPF3 protein (p.Gly540Trp).